The following is an entry in ClinVar:

ClinVar aggregate classification (germline): Uncertain significance (1 of 4 stars; one submission).

Conditions:
PARD3B-related disorder. Also called: PARD3B-related condition.

Allele frequency attached by ClinVar (database versions not stated): gnomAD exomes below 0.00001; TOPMed below 0.00001.
gnomAD v4.1: 2 of 1,612,142 alleles (0.00012%); highest among the groups gnomAD compares: Non-Finnish European, 0.00017%; no homozygotes.

Submission:

PreventionGenetics, part of Exact Sciences
Classification: Uncertain significance for PARD3B-related condition. Last evaluated: 2023-03-28. Review status: criteria provided, single submitter. Criteria: ACMG Guidelines, 2015. Collection method: clinical testing. Allele origin: germline.
Comment: The PARD3B c.1882C>A variant is predicted to result in the amino acid substitution p.Leu628Met. To our knowledge, this variant has not been reported in the literature. This variant is reported in 0.00089% of alleles in individuals of European (Non-Finnish) descent in gnomAD. At this time, the clinical significance of this variant is uncertain due to the absence of conclusive functional and genetic evidence.

NM_001302769.2(PARD3B):c.1882C>A (p.Leu628Met)

Gene: PARD3B (par-3 family cell polarity regulator beta; plus strand). Cytogenetic location: 2q33.3.
Variant type: single nucleotide variant.
Coding change: c.1882C>A on transcript NM_001302769.2 (MANE Select); coding-DNA position 1882, C replaced by A.
Protein change: p.Leu628Met; replaces leucine 628 with methionine.
Molecular consequence: missense variant.
Genome position (GRCh38, 1-based): chr2:205,176,535, C>A. VCF-style: chr2-205176535-C-A. GRCh37 (hg19) VCF-style: chr2-206041259-C-A.
Other names: c.1882C>A, p.Leu628Met (NM_057177.7, NM_205863.4); c.1696C>A, p.Leu566Met (NM_152526.6); short protein forms L566M, L628M.
Identifiers: ClinVar variation 2629011 (VCV002629011.1), dbSNP rs1360182820, ClinGen allele CA350034712.
Genomic context (GRCh38, chr2:205,176,535, plus strand): 5'-CCATGCTTTGAGAACTGTCAAAATGCTGTAACCACCTCTAGGCGAAATGATAATAGTATC[C>A]TGCATCCACTTGGCACTTGCAGTCCACAAGACAAACAGAAAGGTAAGAGTCTATTCATTT-3'
Protein context (NP_001289698.1, residues 618-638): TTSRRNDNSI[Leu628Met]HPLGTCSPQD